The following is an entry in ClinVar:

ClinVar aggregate classification (germline): Conflicting classifications of pathogenicity. Review status: criteria provided, conflicting classifications (1 of 4 stars). 6 submissions from 6 submitters: Uncertain significance (4); Likely benign (2). Last evaluated 2026-09-09.

Conditions:
Cardiovascular phenotype. Identifiers: MedGen CN230736.
Alstrom syndrome (ALMS). Identifiers: Orphanet 64, MedGen C0268425, MONDO:0008763, OMIM 203800.

Allele frequency attached by ClinVar (database versions not stated): gnomAD exomes 0.00008 and 0.00003; ExAC 0.00009; gnomAD 0.00032; ESP Exome Variant Server 0.00039; TOPMed 0.00048.
gnomAD v4.1: 107 of 1,614,112 alleles (0.0066%); highest among the groups gnomAD compares: African/African-American, 0.14%; 3 homozygotes.

Submissions (6):

GeneDx
Classification: Uncertain significance. Last evaluated: 2026-09-09. Review status: criteria provided, single submitter. Criteria: GeneDx Variant Classification Process June 2021. Collection method: clinical testing. Allele origin: germline.
Comment: In silico analysis suggests that this missense variant does not alter protein structure/function; Has not been previously published as pathogenic or benign to our knowledge

Labcorp Genetics (formerly Invitae), Labcorp
Classification: Uncertain significance for Alstrom syndrome. Last evaluated: 2025-01-23. Review status: criteria provided, single submitter. Criteria: Invitae Variant Classification Sherloc (09022015). Collection method: clinical testing. Allele origin: germline.
Comment: This sequence change replaces threonine, which is neutral and polar, with isoleucine, which is neutral and non-polar, at codon 3981 of the ALMS1 protein (p.Thr3981Ile). This variant is present in population databases (rs200568988, gnomAD 0.1%). This variant has not been reported in the literature in individuals affected with ALMS1-related conditions. ClinVar contains an entry for this variant (Variation ID: 423689). Experimental studies and prediction algorithms are not available or were not evaluated, and the functional significance of this variant is currently unknown. In summary, the available evidence is currently insufficient to determine the role of this variant in disease. Therefore, it has been classified as a Variant of Uncertain Significance.

Blueprint Genetics
Classification: Likely benign. Last evaluated: 2024-10-10. Review status: criteria provided, single submitter. Criteria: ACMG Guidelines, 2015. Collection method: clinical testing. Allele origin: germline.

Fulgent Genetics
Classification: Uncertain significance for Alstrom syndrome. Last evaluated: 2022-05-15. Review status: criteria provided, single submitter. Criteria: ACMG Guidelines, 2015. Collection method: clinical testing. Allele origin: unknown.

Ambry Genetics
Classification: Likely benign for Cardiovascular phenotype. Last evaluated: 2021-10-21. Review status: criteria provided, single submitter. Criteria: Ambry Variant Classification Scheme 2023. Collection method: clinical testing. Allele origin: germline.

Women's Health and Genetics/Laboratory Corporation of America, LabCorp
Classification: Uncertain significance. Last evaluated: 2020-10-01. Review status: criteria provided, single submitter. Criteria: LabCorp Variant Classification Summary - May 2015. Collection method: clinical testing. Allele origin: germline.
Comment: Variant summary: ALMS1 c.11936C>T (p.Thr3979Ile) results in a non-conservative amino acid change in the encoded protein sequence. Four of five in-silico tools predict a benign effect of the variant on protein function. The variant allele was found at a frequency of 8.4e-05 in 250394 control chromosomes. This frequency is not significantly higher than expected for a pathogenic variant in ALMS1 causing Alstrom Syndrome With Dilated Cardiomyopathy (8.4e-05 vs 0.0018), allowing no conclusion about variant significance. To our knowledge, no occurrence of c.11936C>T in individuals affected with Alstrom Syndrome With Dilated Cardiomyopathy and no experimental evidence demonstrating its impact on protein function have been reported. Two clinical diagnostic laboratories have submitted clinical-significance assessments for this variant to ClinVar after 2014 without evidence for independent evaluation, both citing the variant as uncertain significance. Based on the evidence outlined above, the variant was classified as uncertain significance.

NM_001378454.1(ALMS1):c.11939C>T (p.Thr3980Ile)

Genes: ALMS1 (ALMS1 centrosome and basal body associated protein; plus strand), LOC126806252 (BRD4-independent group 4 enhancer GRCh37_chr2:73828496-73829695; plus strand). Cytogenetic location: 2p13.1.
Variant type: single nucleotide variant.
Coding change: c.11939C>T on transcript NM_001378454.1 (MANE Select); coding-DNA position 11939, C replaced by T.
Protein change: p.Thr3980Ile; replaces threonine 3980 with isoleucine.
Molecular consequence: missense variant.
Genome position (GRCh38, 1-based): chr2:73,601,261, C>T. VCF-style: chr2-73601261-C-T. GRCh37 (hg19) VCF-style: chr2-73828388-C-T.
Other names: c.11942C>T, p.Thr3981Ile (NM_015120.4); short protein forms T3981I, T3980I.
Identifiers: ClinVar variation 423689 (VCV000423689.14), dbSNP rs200568988, ClinGen allele CA1715388.